The following is an entry in ClinVar:

ClinVar aggregate classification (germline): Uncertain significance. Review status: criteria provided, multiple submitters, no conflicts (2 of 4 stars). 3 submissions from 3 submitters: Uncertain significance (3). Last evaluated 2024-09-02.

Conditions:
Crouzon syndrome-acanthosis nigricans syndrome. Also called: CROUZONODERMOSKELETAL SYNDROME. Identifiers: Orphanet 93262, MedGen C2677099, MONDO:0012833, OMIM 612247.

Allele frequency attached by ClinVar (database versions not stated): ExAC 0.00001; gnomAD 0.00001; gnomAD exomes 0.00001; 1000 Genomes Project 0.00020; 1000 Genomes Project 30x 0.00031.
gnomAD v4.1: 13 of 1,603,586 alleles (0.00081%); highest among the groups gnomAD compares: East Asian, 0.0022%; no homozygotes.

Submissions (3):

Labcorp Genetics (formerly Invitae), Labcorp
Classification: Uncertain significance. Last evaluated: 2024-09-02. Review status: criteria provided, single submitter. Criteria: Invitae Variant Classification Sherloc (09022015). Collection method: clinical testing. Allele origin: germline.
Comment: This sequence change replaces glutamic acid, which is acidic and polar, with lysine, which is basic and polar, at codon 247 of the FGFR3 protein (p.Glu247Lys). This variant also falls at the last nucleotide of exon 6, which is part of the consensus splice site for this exon. The frequency data for this variant in the population databases is considered unreliable, as metrics indicate poor data quality at this position in the gnomAD database. This variant has not been reported in the literature in individuals affected with FGFR3-related conditions. ClinVar contains an entry for this variant (Variation ID: 374825). An algorithm developed to predict the effect of missense changes on protein structure and function (PolyPhen-2) suggests that this variant is likely to be disruptive. Variants that disrupt the consensus splice site are a relatively common cause of aberrant splicing (PMID: 17576681, 9536098). In summary, the available evidence is currently insufficient to determine the role of this variant in disease. Therefore, it has been classified as a Variant of Uncertain Significance.

GeneDx
Classification: Uncertain significance. Last evaluated: 2023-10-10. Review status: criteria provided, single submitter. Criteria: GeneDx Variant Classification Process June 2021. Collection method: clinical testing. Allele origin: germline. Affected: yes.
Comment: In silico analysis supports that this missense variant has a deleterious effect on protein structure/function; Has not been previously published as pathogenic or benign to our knowledge

Genomic Diagnostic Laboratory, Division of Genomic Diagnostics, Children's Hospital of Philadelphia
Classification: Uncertain significance for Crouzon syndrome with acanthosis nigricans. Last evaluated: 2016-10-20. Review status: criteria provided, single submitter. Criteria: DGD Variant Analysis Guidelines. Collection method: clinical testing. Allele origin: germline. Affected: yes. Observed: 1 variant allele.
Comment: Clinical Testing

Literature cited by the submitters: PubMed 17576681 (cited by Labcorp Genetics (formerly Invitae), Labcorp); PubMed 9536098 (cited by Labcorp Genetics (formerly Invitae), Labcorp).

NM_000142.5(FGFR3):c.739G>A (p.Glu247Lys)

Gene: FGFR3 (fibroblast growth factor receptor 3; plus strand). Cytogenetic location: 4p16.3.
Variant type: single nucleotide variant.
Coding change: c.739G>A on transcript NM_000142.5 (MANE Select); coding-DNA position 739, G replaced by A.
Protein change: p.Glu247Lys; replaces glutamic acid 247 with lysine.
Molecular consequence: missense variant. On other transcripts: non-coding transcript variant (1).
Genome position (GRCh38, 1-based): chr4:1,801,743, G>A. VCF-style: chr4-1801743-G-A. GRCh37 (hg19) VCF-style: chr4-1803470-G-A.
Other names: c.739G>A, p.Glu247Lys (NM_001163213.2, NM_001354809.2, NM_001354810.2 and 1 more transcripts); short protein forms E247K.
Identifiers: ClinVar variation 374825 (VCV000374825.11), dbSNP rs565612580, ClinGen allele CA2809935.